The following is an entry in ClinVar:

ClinVar aggregate classification (germline): Uncertain significance (1 of 4 stars; one submission).

Conditions:
Cohen syndrome (COH1). Also called: PEPPER SYNDROME; Cutis verticis gyrata, retinitis pigmentosa, and sensorineural deafness. Identifiers: Orphanet 193, MedGen C0265223, MONDO:0008999, OMIM 216550.

Allele frequency attached by ClinVar (database versions not stated): gnomAD exomes below 0.00001; ExAC 0.00001.
gnomAD v4.1: 2 of 1,613,988 alleles (0.00012%); highest among the groups gnomAD compares: South Asian, 0.0011%; no homozygotes.

Submission:

Labcorp Genetics (formerly Invitae), Labcorp
Classification: Uncertain significance for Cohen syndrome. Last evaluated: 2022-07-03. Review status: criteria provided, single submitter. Criteria: Invitae Variant Classification Sherloc (09022015). Collection method: clinical testing. Allele origin: germline.
Comment: This sequence change replaces aspartic acid, which is acidic and polar, with glycine, which is neutral and non-polar, at codon 2312 of the VPS13B protein (p.Asp2312Gly). This variant is present in population databases (rs763072882, gnomAD 0.003%). This variant has not been reported in the literature in individuals affected with VPS13B-related conditions. Algorithms developed to predict the effect of missense changes on protein structure and function are either unavailable or do not agree on the potential impact of this missense change (SIFT: "Not Available"; PolyPhen-2: "Benign"; Align-GVGD: "Not Available"). In summary, the available evidence is currently insufficient to determine the role of this variant in disease. Therefore, it has been classified as a Variant of Uncertain Significance.

NM_152564.5(VPS13B):c.6860A>G (p.Asp2287Gly)

Gene: VPS13B (vacuolar protein sorting 13 homolog B; plus strand). Cytogenetic location: 8q22.2.
Variant type: single nucleotide variant.
Coding change: c.6860A>G on transcript NM_152564.5 (MANE Select); coding-DNA position 6860, A replaced by G.
Protein change: p.Asp2287Gly; replaces aspartic acid 2287 with glycine.
Molecular consequence: missense variant.
Genome position (GRCh38, 1-based): chr8:99,720,547, A>G. VCF-style: chr8-99720547-A-G. GRCh37 (hg19) VCF-style: chr8-100732775-A-G.
Other names: c.6935A>G, p.Asp2312Gly (NM_017890.5); short protein forms D2287G, D2312G.
Identifiers: ClinVar variation 2079792 (VCV002079792.1), dbSNP rs763072882, ClinGen allele CA4824098.